The following is an entry in ClinVar:

NM_001143986.2(TLE6):c.18G>T (p.Gln6His)

Gene: TLE6 (TLE family member 6, subcortical maternal complex member; plus strand). Cytogenetic location: 19p13.3.
Variant type: single nucleotide variant.
Coding change: c.18G>T on transcript NM_001143986.2 (MANE Select); coding-DNA position 18, G replaced by T.
Protein change: p.Gln6His; replaces glutamine 6 with histidine.
Molecular consequence: missense variant. On other transcripts: non-coding transcript variant (1), intron variant (1).
Genome position (GRCh38, 1-based): chr19:2,978,251, G>T. VCF-style: chr19-2978251-G-T. GRCh37 (hg19) VCF-style: chr19-2978249-G-T.
Other names: c.-319+632G>T (NM_024760.3); short protein forms Q6H.
Identifiers: ClinVar variation 3050493 (VCV003050493.2), dbSNP rs190951421, ClinGen allele CA9072522.

ClinVar aggregate classification (germline): Benign (0 of 4 stars; one submission).

Conditions:
TLE6-related disorder. Also called: TLE6-related condition.

Allele frequency attached by ClinVar (database versions not stated): gnomAD exomes 0.00021; ExAC 0.00105; 1000 Genomes Project 30x 0.00156; 1000 Genomes Project 0.00160; gnomAD 0.00202; TOPMed 0.00235.

Submission:

PreventionGenetics, part of Exact Sciences
Classification: Benign for TLE6-related condition. Last evaluated: 2019-07-12. Review status: no assertion criteria provided. Collection method: clinical testing. Allele origin: germline.
Comment: This variant is classified as benign based on ACMG/AMP sequence variant interpretation guidelines (Richards et al. 2015 PMID: 25741868, with internal and published modifications).